The following is an entry in ClinVar:

NM_014946.4(SPAST):c.1141T>G (p.Phe381Val)

Gene: SPAST (spastin; plus strand). Cytogenetic location: 2p22.3.
Variant type: single nucleotide variant.
Coding change: c.1141T>G on transcript NM_014946.4 (MANE Select); coding-DNA position 1141, T replaced by G.
Protein change: p.Phe381Val; replaces phenylalanine 381 with valine.
Molecular consequence: missense variant.
Genome position (GRCh38, 1-based): chr2:32,126,990, T>G. VCF-style: chr2-32126990-T-G. GRCh37 (hg19) VCF-style: chr2-32352059-T-G.
Other names: c.1042T>G, p.Phe348Val (NM_001363875.2); c.1045T>G, p.Phe349Val (NM_001377959.1, NM_199436.2); c.1138T>G, p.Phe380Val (NM_001363823.2); short protein forms F348V, F381V, F349V, F380V.
Identifiers: ClinVar variation 1390387 (VCV001390387.6), dbSNP rs1553316821, ClinGen allele CA346501279.

ClinVar aggregate classification (germline): Uncertain significance (1 of 4 stars; one submission).

Conditions:
Hereditary spastic paraplegia 4. Also called: Spastic Paraplegia 4; Familial spastic paraplegia autosomal dominant 2; Spastic paraplegia 4, autosomal dominant. Identifiers: Orphanet 100985, MedGen C1866855, MONDO:0008438, OMIM 182601.

Submission:

Labcorp Genetics (formerly Invitae), Labcorp
Classification: Uncertain significance for Hereditary spastic paraplegia 4. Last evaluated: 2025-10-02. Review status: criteria provided, single submitter. Criteria: Invitae Variant Classification Sherloc (09022015). Collection method: clinical testing. Allele origin: germline.
Comment: This sequence change replaces phenylalanine, which is neutral and non-polar, with valine, which is neutral and non-polar, at codon 381 of the SPAST protein (p.Phe381Val). This variant is not present in population databases (gnomAD no frequency). This missense change has been observed in individual(s) with hereditary spastic paraplegia (PMID: 33480217). ClinVar contains an entry for this variant (Variation ID: 1390387). Invitae Evidence Modeling of protein sequence and biophysical properties (such as structural, functional, and spatial information, amino acid conservation, physicochemical variation, residue mobility, and thermodynamic stability) has been performed for this missense variant. However, the output from this modeling did not meet the statistical confidence thresholds required to predict the impact of this variant on SPAST protein function. This variant disrupts the p.Phe381 amino acid residue in SPAST. Other variant(s) that disrupt this residue have been observed in individuals with SPAST-related conditions (PMID: 10699187, 16832076), which suggests that this may be a clinically significant amino acid residue. In summary, the available evidence is currently insufficient to determine the role of this variant in disease. Therefore, it has been classified as a Variant of Uncertain Significance.

Literature cited by the submitters: PubMed 33480217; PubMed 10699187; PubMed 16832076.